The following is an entry in ClinVar:

NM_152564.5(VPS13B):c.174A>T (p.Leu58Phe)

Gene: VPS13B (vacuolar protein sorting 13 homolog B; plus strand). Cytogenetic location: 8q22.2.
Variant type: single nucleotide variant.
Coding change: c.174A>T on transcript NM_152564.5 (MANE Select); coding-DNA position 174, A replaced by T.
Protein change: p.Leu58Phe; replaces leucine 58 with phenylalanine.
Molecular consequence: missense variant. On other transcripts: non-coding transcript variant (1).
Genome position (GRCh38, 1-based): chr8:99,038,449, A>T. VCF-style: chr8-99038449-A-T. GRCh37 (hg19) VCF-style: chr8-100050677-A-T.
Other names: c.174A>T, p.Leu58Phe (NM_015243.3, NM_017890.5, NM_181661.3); short protein forms L58F.
Identifiers: ClinVar variation 1397131 (VCV001397131.6), dbSNP rs2132222005, ClinGen allele CA371859645.

ClinVar aggregate classification (germline): Uncertain significance (1 of 4 stars; one submission).

Conditions:
Cohen syndrome (COH1). Also called: PEPPER SYNDROME; Cutis verticis gyrata, retinitis pigmentosa, and sensorineural deafness. Identifiers: Orphanet 193, MedGen C0265223, MONDO:0008999, OMIM 216550.

Submission:

Labcorp Genetics (formerly Invitae), Labcorp
Classification: Uncertain significance for Cohen syndrome. Last evaluated: 2022-03-09. Review status: criteria provided, single submitter. Criteria: Invitae Variant Classification Sherloc (09022015). Collection method: clinical testing. Allele origin: germline.
Comment: In summary, the available evidence is currently insufficient to determine the role of this variant in disease. Therefore, it has been classified as a Variant of Uncertain Significance. Algorithms developed to predict the effect of sequence changes on RNA splicing suggest that this variant may disrupt the consensus splice site. Algorithms developed to predict the effect of missense changes on protein structure and function are either unavailable or do not agree on the potential impact of this missense change (SIFT: "Not Available"; PolyPhen-2: "Probably Damaging"; Align-GVGD: "Not Available"). This variant has not been reported in the literature in individuals affected with VPS13B-related conditions. This variant is not present in population databases (gnomAD no frequency). This sequence change replaces leucine, which is neutral and non-polar, with phenylalanine, which is neutral and non-polar, at codon 58 of the VPS13B protein (p.Leu58Phe).